The following is an entry in ClinVar:

NM_006208.3(ENPP1):c.827A>G (p.Asp276Gly)

Gene: ENPP1 (ectonucleotide pyrophosphatase/phosphodiesterase 1; plus strand). Cytogenetic location: 6q23.2.
Variant type: single nucleotide variant.
Coding change: c.827A>G on transcript NM_006208.3 (MANE Select); coding-DNA position 827, A replaced by G.
Protein change: p.Asp276Gly; replaces aspartic acid 276 with glycine.
Molecular consequence: missense variant.
Genome position (GRCh38, 1-based): chr6:131,860,418, A>G. VCF-style: chr6-131860418-A-G. GRCh37 (hg19) VCF-style: chr6-132181558-A-G.
Other names: short protein forms D276G.
Identifiers: ClinVar variation 1333947 (VCV001333947.3), dbSNP rs1293256202, ClinGen allele CA365667723.

ClinVar aggregate classification (germline): Uncertain significance. Review status: criteria provided, multiple submitters, no conflicts (2 of 4 stars). 2 submissions from 2 submitters: Uncertain significance (2). Last evaluated 2024-04-22.

Conditions:
Type 2 diabetes mellitus. Also called: Type II diabetes mellitus. Identifiers: MedGen C0011860, MeSH D003924, MONDO:0005148, OMIM 125853, HP:0005978.

Allele frequency attached by ClinVar (database versions not stated): TOPMed below 0.00001; gnomAD 0.00001; gnomAD exomes 0.00001.
gnomAD v4.1: 11 of 1,597,696 alleles (0.00069%); highest among the groups gnomAD compares: Non-Finnish European, 0.00094%; no homozygotes.

Submissions (2):

Labcorp Genetics (formerly Invitae), Labcorp
Classification: Uncertain significance. Last evaluated: 2024-04-22. Review status: criteria provided, single submitter. Criteria: Invitae Variant Classification Sherloc (09022015). Collection method: clinical testing. Allele origin: germline.
Comment: This sequence change replaces aspartic acid, which is acidic and polar, with glycine, which is neutral and non-polar, at codon 276 of the ENPP1 protein (p.Asp276Gly). This variant is present in population databases (no rsID available, gnomAD 0.007%). This variant has not been reported in the literature in individuals affected with ENPP1-related conditions. ClinVar contains an entry for this variant (Variation ID: 1333947). Advanced modeling of protein sequence and biophysical properties (such as structural, functional, and spatial information, amino acid conservation, physicochemical variation, residue mobility, and thermodynamic stability) performed at Invitae indicates that this missense variant is not expected to disrupt ENPP1 protein function with a negative predictive value of 80%. In summary, the available evidence is currently insufficient to determine the role of this variant in disease. Therefore, it has been classified as a Variant of Uncertain Significance.

CENTOGENE GmbH and LLC - Guiding Precision Medicine
Classification: Uncertain significance for Type 2 diabetes mellitus. Last evaluated: 2019-11-21. Review status: criteria provided, single submitter. Criteria: ACMG Guidelines, 2015. Collection method: clinical testing. Allele origin: germline. Affected: yes.